The following is an entry in ClinVar:

NM_016042.4(EXOSC3):c.404G>A (p.Gly135Glu)

Gene: EXOSC3 (exosome component 3; minus strand). Cytogenetic location: 9p13.2.
Variant type: single nucleotide variant.
Coding change: c.404G>A on transcript NM_016042.4 (MANE Select); coding-DNA position 404, G replaced by A.
Protein change: p.Gly135Glu; replaces glycine 135 with glutamic acid.
Molecular consequence: missense variant.
Genome position (GRCh38, 1-based): chr9:37,783,984, C>T on the plus strand (G>A on the coding strand, the complement: EXOSC3 is on the minus strand). VCF-style: chr9-37783984-C-T. GRCh37 (hg19) VCF-style: chr9-37783981-C-T.
Other names: c.404G>A, p.Gly135Glu (NM_001002269.2); short protein forms G135E.
Identifiers: ClinVar variation 3768889 (VCV003768889.1).

ClinVar aggregate classification (germline): Likely pathogenic (1 of 4 stars; one submission).

Conditions:
Pontoneocerebellar hypoplasia. Also called: Pontocerebellar hypoplasia; Non-syndromic pontocerebellar hypoplasia. Identifiers: Orphanet 98523, MedGen C1261175, MONDO:0020135.

gnomAD v4.1: 2 of 1,613,948 alleles (0.00012%); no homozygotes.

Submission:

Women's Health and Genetics/Laboratory Corporation of America, LabCorp
Classification: Likely pathogenic for Pontoneocerebellar hypoplasia. Last evaluated: 2025-02-21. Review status: criteria provided, single submitter. Criteria: LabCorp Variant Classification Summary - May 2015. Collection method: clinical testing. Allele origin: germline.
Comment: Variant summary: EXOSC3 c.404G>A (p.Gly135Glu) results in a non-conservative amino acid change located in the S1-like RNA-binding domain (IPR037319) of the encoded protein sequence. Five of five in-silico tools predict a damaging effect of the variant on protein function. The variant allele was found at a frequency of 4e-06 in 251304 control chromosomes (gnomAD). The variant, c.404G>A, has been reported in the literature in a homozygous individual affected with Pontocerebellar Hypoplasia, Type 1B (Eggens_2014). These data indicate that the variant may be associated with disease. At least one publication reported experimental evidence evaluating an impact on protein function, and demonstrated impaired RNA binding for the variant protein (Francois-Moutal_2018). The following publications have been ascertained in the context of this evaluation (PMID: 24524299, 30141626). No submitters have cited clinical-significance assessments for this variant to ClinVar. Based on the evidence outlined above, the variant was classified as likely pathogenic.

Literature cited by the submitters: PubMed 24524299; PubMed 30141626.